The following is an entry in ClinVar:

NM_002474.3(MYH11):c.4367T>C (p.Leu1456Ser)

Genes: MYH11 (myosin heavy chain 11; minus strand), NDE1 (nudE neurodevelopment protein 1; plus strand). Cytogenetic location: 16p13.11.
Variant type: single nucleotide variant.
Coding change: c.4367T>C on transcript NM_002474.3 (MANE Select); coding-DNA position 4367, T replaced by C.
Protein change: p.Leu1456Ser; replaces leucine 1456 with serine.
Molecular consequence: missense variant. On other transcripts: intron variant (2).
Genome position (GRCh38, 1-based): chr16:15,721,633, A>G on the plus strand (T>C on the coding strand, the complement: MYH11 is on the minus strand). VCF-style: chr16-15721633-A-G. GRCh37 (hg19) VCF-style: chr16-15815490-A-G.
Other names: c.4388T>C, p.Leu1463Ser (NM_001040113.2, NM_001040114.2); c.4367T>C, p.Leu1456Ser (NM_022844.3); c.948-2558A>G (NM_001143979.2, NM_017668.3); short protein forms L1456S, L1463S.
Identifiers: ClinVar variation 2448077 (VCV002448077.2), dbSNP rs2506127320, ClinGen allele CA394855695.

ClinVar aggregate classification (germline): Uncertain significance (1 of 4 stars; one submission).

Conditions:
Familial thoracic aortic aneurysm and aortic dissection (TAAD). Also called: Thoracic aortic aneurysms and dissections. Identifiers: Orphanet 91387, MedGen C4707243, MONDO:0019625.

Allele frequency attached by ClinVar (database versions not stated): gnomAD exomes below 0.00001.
gnomAD v4.1: 1 of 1,614,132 alleles (0.000062%); highest among the groups gnomAD compares: African/African-American, 0.0013%; no homozygotes.

Submission:

Ambry Genetics
Classification: Uncertain significance for Familial thoracic aortic aneurysm and aortic dissection. Last evaluated: 2022-12-31. Review status: criteria provided, single submitter. Criteria: Ambry Variant Classification Scheme 2023. Collection method: clinical testing. Allele origin: germline.
Comment: The p.L1456S variant (also known as c.4367T>C), located in coding exon 31 of the MYH11 gene, results from a T to C substitution at nucleotide position 4367. The leucine at codon 1456 is replaced by serine, an amino acid with dissimilar properties. This amino acid position is conserved. In addition, the in silico prediction for this alteration is inconclusive. Since supporting evidence is limited at this time, the clinical significance of this alteration remains unclear.